The following is an entry in ClinVar:

NM_000321.3(RB1):c.443del (p.Met148fs)

Gene: RB1 (RB transcriptional corepressor 1; plus strand). Cytogenetic location: 13q14.2.
Variant type: Deletion.
Coding change: c.443del on transcript NM_000321.3 (MANE Select); coding-DNA position 443, one base deleted (T; older notation c.443delT).
Protein change: p.Met148fs; shifts the reading frame from methionine 148.
Molecular consequence: frameshift variant.
Genome position (GRCh38, 1-based): chr13:48,345,142, T deleted. VCF-style (leftmost placement, unchanged base first): chr13-48345141-AT-A. GRCh37 (hg19) VCF-style: chr13-48919277-AT-A.
Other names: c.443delT (NM_000321.2); short protein forms M148fs.
Identifiers: ClinVar variation 428685 (VCV000428685.3), dbSNP rs1131690867, ClinGen allele CA645369552.

ClinVar aggregate classification (germline): Pathogenic (1 of 4 stars; one submission).

Conditions:
Hereditary cancer-predisposing syndrome. Also called: Hereditary Cancer Syndrome; Neoplastic Syndromes, Hereditary; Hereditary neoplastic syndrome; Tumor predisposition. Identifiers: Orphanet 140162, MedGen C0027672, MeSH D009386, MONDO:0015356.

Submission:

Ambry Genetics
Classification: Pathogenic for Hereditary cancer-predisposing syndrome. Last evaluated: 2015-04-17. Review status: criteria provided, single submitter. Criteria: Ambry Autosomal Dominant and X-Linked criteria (10/2015). Collection method: clinical testing. Allele origin: germline. Observed: 1 variant allele.
Comment: The c.443delT pathogenic mutation, located in coding exon 4 of the RB1 gene, results from a deletion of one nucleotide at nucleotide position 443, causing a translational frameshift with a predicted alternate stop codon. Since frameshifts are typically deleterious in nature, this alteration is interpreted as a disease-causing mutation (ACMG Recommendations for Standards for Interpretation and Reporting of Sequence Variations. Revision 2007. Genet Med. 2008;10:294).